The following is an entry in ClinVar:

NM_001374828.1(ARID1B):c.1593G>C (p.Pro531=)

Gene: ARID1B (AT-rich interaction domain 1B; plus strand). Cytogenetic location: 6q25.3.
Variant type: single nucleotide variant.
Coding change: c.1593G>C on transcript NM_001374828.1 (MANE Select); coding-DNA position 1593, G replaced by C.
Protein change: p.Pro531=; no amino-acid change (proline 531 retained).
Molecular consequence: synonymous variant.
Genome position (GRCh38, 1-based): chr6:156,779,273, G>C. VCF-style: chr6-156779273-G-C. GRCh37 (hg19) VCF-style: chr6-157100407-G-C.
Other names: c.1593G>C, p.Pro531= (NM_017519.3, NM_001374820.1, NM_001371656.1); c.1344G>C, p.Pro448= (NM_020732.3, NM_001346813.1); c.1170G>C, p.Pro390= (NM_175863.2).
Identifiers: ClinVar variation 1770436 (VCV001770436.4), dbSNP rs754489682, ClinGen allele CA452989651.

ClinVar aggregate classification (germline): Likely benign. Review status: criteria provided, single submitter (1 of 4 stars). 2 submissions from 2 submitters: Likely benign (1). 1 of the submissions does not count toward it. Last evaluated 2017-09-12.

Conditions:
ARID1B-Related Disorder. Identifiers: MedGen CN381337.
Inborn genetic diseases. Identifiers: MedGen C0950123, MeSH D030342.

Allele frequency attached by ClinVar (database versions not stated): gnomAD exomes 0.00001.
gnomAD v4.1: 1 of 1,147,516 alleles (0.000087%); highest among the groups gnomAD compares: Non-Finnish European, 0.00011%; no homozygotes.

Submissions (2):

Ambry Genetics
Classification: Likely benign for Inborn genetic diseases. Last evaluated: 2017-09-12. Review status: criteria provided, single submitter. Criteria: Ambry Variant Classification Scheme 2023. Collection method: clinical testing. Allele origin: germline.

PreventionGenetics, part of Exact Sciences
Classification: Likely benign for ARID1B-related condition. Last evaluated: 2021-04-15. Review status: no assertion criteria provided. Collection method: clinical testing. Allele origin: germline. Not counted in ClinVar's aggregate classification.
Comment: This variant is classified as likely benign based on ACMG/AMP sequence variant interpretation guidelines (Richards et al. 2015 PMID: 25741868, with internal and published modifications).